The following is an entry in ClinVar:

NM_001953.5(TYMP):c.1159+2T>A

Genes: SCO2 (synthesis of cytochrome C oxidase 2; minus strand), TYMP (thymidine phosphorylase; minus strand), LOC130067862 (ATAC-STARR-seq lymphoblastoid silent region 13986; plus strand). Cytogenetic location: 22q13.33.
Variant type: single nucleotide variant.
Coding change: c.1159+2T>A on transcript NM_001953.5 (MANE Select); the canonical splice donor site of the intron after coding-DNA position 1159, T replaced by A.
Molecular consequence: splice donor variant.
Genome position (GRCh38, 1-based): chr22:50,526,244, A>T on the plus strand (T>A on the coding strand, the complement: TYMP is on the minus strand). VCF-style: chr22-50526244-A-T. GRCh37 (hg19) VCF-style: chr22-50964673-A-T.
Other names: c.-14+2T>A (NM_001169109.2); c.1159+2T>A (NM_001257989.1, NM_001257988.1, NM_001113755.3 and 1 more transcripts).
Identifiers: ClinVar variation 223065 (VCV000223065.12), dbSNP rs770277446, ClinGen allele CA10321473.

ClinVar aggregate classification (germline): Pathogenic. Review status: criteria provided, multiple submitters, no conflicts (2 of 4 stars). 4 submissions from 4 submitters: Pathogenic (3). 1 of the submissions does not count toward it. Last evaluated 2023-12-07.

Conditions:
Mitochondrial DNA depletion syndrome 1. Also called: Mitochondrial neurogastrointestinal encephalomyopathy syndrome; POLIP SYNDROME; POLYNEUROPATHY, OPHTHALMOPLEGIA, LEUKOENCEPHALOPATHY, AND INTESTINAL PSEUDOOBSTRUCTION; Mitochondrial DNA Depletion Syndrome, MNGIE Form; Mitochondrial Neurogastrointestinal Encephalopathy Disease; MITOCHONDRIAL NEUROGASTROINTESTINAL ENCEPHALOPATHY SYNDROME, TYMP-RELATED. Identifiers: Orphanet 298, MedGen C4551995, MONDO:0011283, OMIM 603041.

Allele frequency attached by ClinVar (database versions not stated): ExAC below 0.00001.
gnomAD v4.1: 1 of 1,540,414 alleles (0.000065%); highest among the groups gnomAD compares: Non-Finnish European, 0.000087%; no homozygotes.

Submissions (4):

Baylor Genetics
Classification: Pathogenic for Mitochondrial DNA depletion syndrome 1. Last evaluated: 2023-12-07. Review status: criteria provided, single submitter. Criteria: ACMG Guidelines, 2015. Collection method: clinical testing. Allele origin: unknown.

Department of Pathophysiology and Transplantation, University of Milan
Classification: Pathogenic for Mitochondrial DNA depletion syndrome 1. Last evaluated: 2020-07-04. Review status: criteria provided, single submitter. Criteria: ACMG Guidelines, 2015. Collection method: clinical testing. Allele origin: germline. Affected: yes.

Labcorp Genetics (formerly Invitae), Labcorp
Classification: Pathogenic. Last evaluated: 2018-07-19. Review status: criteria provided, single submitter. Criteria: Invitae Variant Classification Sherloc (09022015). Collection method: clinical testing. Allele origin: germline.
Comment: For these reasons, this variant has been classified as Pathogenic. Donor and acceptor splice site variants typically lead to a loss of protein function (PMID: 16199547), and loss-of-function variants in TYMP are known to be pathogenic (PMID: 9924029, 15781193). This variant has been observed to segregate with mitochondrial neurogastrointestinal encephalomyopathy in a family (PMID: 22618301). ClinVar contains an entry for this variant (Variation ID: 223065). The frequency data for this variant in the population databases is considered unreliable, as metrics indicate poor data quality at this position in the ExAC database. This sequence change affects a donor splice site in intron 8 of the TYMP gene. It is expected to disrupt RNA splicing and likely results in an absent or disrupted protein product.

GeneReviews
Classification: Pathogenic for Mitochondrial DNA depletion syndrome 1. Last evaluated: 2016-01-14. Review status: no assertion criteria provided. Collection method: literature only. Allele origin: germline. Affected: yes. Not counted in ClinVar's aggregate classification.

Literature cited by the submitters: PubMed 12529715 (cited by Department of Pathophysiology and Transplantation, University of Milan and GeneReviews); PubMed 16199547 (cited by Labcorp Genetics (formerly Invitae), Labcorp); PubMed 9924029 (cited by Labcorp Genetics (formerly Invitae), Labcorp); PubMed 15781193 (cited by Labcorp Genetics (formerly Invitae), Labcorp); PubMed 22618301 (cited by Labcorp Genetics (formerly Invitae), Labcorp).